The following is an entry in ClinVar:

ClinVar aggregate classification (germline): Uncertain significance (1 of 4 stars; one submission).

Conditions:
Skeletal overgrowth-craniofacial dysmorphism-hyperelastic skin-white matter lesions syndrome. Also called: SKELETAL OVERGROWTH WITH FACIAL DYSMORPHISM, HYPERELASTIC SKIN, WHITE MATTER LESIONS, AND NEUROLOGIC DETERIORATION; Kosaki overgrowth syndrome. Identifiers: Orphanet 477831, MedGen C4225270, MONDO:0014704, OMIM 616592.
Infantile myofibromatosis (IMF). Also called: Congenital generalized fibromatosis. Identifiers: Orphanet 2591, MedGen C0432284, MONDO:0016824.
Basal ganglia calcification, idiopathic, 4 (PFBC4). Also called: Familial Idiopathic Basal Ganglia Calcification 4; PRIMARY FAMILIAL BRAIN CALCIFICATION 4, AUTOSOMAL DOMINANT. Identifiers: Orphanet 1980, MedGen C3554321, MONDO:0014004, OMIM 615007.
Acroosteolysis-keloid-like lesions-premature aging syndrome. Also called: Premature aging syndrome, Penttinen type; Prematurely aged appearance, delayed bone maturation, acro-osteolysis, and brachydactyly; Progeroid syndrome, Penttinen type. Identifiers: Orphanet 363665, MedGen C1866182, MONDO:0011150, OMIM 601812.

gnomAD v4.1: 9 of 1,612,678 alleles (0.00056%); highest among the groups gnomAD compares: Admixed American, 0.0033%; no homozygotes.

Submission:

Labcorp Genetics (formerly Invitae), Labcorp
Classification: Uncertain significance for Basal ganglia calcification, idiopathic, 4; Skeletal overgrowth-craniofacial dysmorphism-hyperelastic skin-white matter lesions syndrome; Infantile myofibromatosis; Acroosteolysis-keloid-like lesions-premature aging syndrome. Last evaluated: 2024-11-18. Review status: criteria provided, single submitter. Criteria: Invitae Variant Classification Sherloc (09022015). Collection method: clinical testing. Allele origin: germline.
Comment: This sequence change replaces aspartic acid, which is acidic and polar, with asparagine, which is neutral and polar, at codon 359 of the PDGFRB protein (p.Asp359Asn). This variant is present in population databases (rs375484098, gnomAD 0.003%). This variant has not been reported in the literature in individuals affected with PDGFRB-related conditions. Invitae Evidence Modeling of protein sequence and biophysical properties (such as structural, functional, and spatial information, amino acid conservation, physicochemical variation, residue mobility, and thermodynamic stability) indicates that this missense variant is not expected to disrupt PDGFRB protein function with a negative predictive value of 80%. In summary, the available evidence is currently insufficient to determine the role of this variant in disease. Therefore, it has been classified as a Variant of Uncertain Significance.

NM_002609.4(PDGFRB):c.1075G>A (p.Asp359Asn)

Gene: PDGFRB (platelet derived growth factor receptor beta; minus strand). Cytogenetic location: 5q32.
Variant type: single nucleotide variant.
Coding change: c.1075G>A on transcript NM_002609.4 (MANE Select); coding-DNA position 1075, G replaced by A.
Protein change: p.Asp359Asn; replaces aspartic acid 359 with asparagine.
Molecular consequence: missense variant.
Genome position (GRCh38, 1-based): chr5:150,132,802, C>T on the plus strand (G>A on the coding strand, the complement: PDGFRB is on the minus strand). VCF-style: chr5-150132802-C-T. GRCh37 (hg19) VCF-style: chr5-149512365-C-T.
Other names: c.883G>A, p.Asp295Asn (NM_001355016.2); c.592G>A, p.Asp198Asn (NM_001355017.2); short protein forms D198N, D295N, D359N.
Identifiers: ClinVar variation 3749393 (VCV003749393.2).